The following is an entry in ClinVar:

ClinVar aggregate classification (germline): Uncertain significance. Review status: criteria provided, multiple submitters, no conflicts (2 of 4 stars). 3 submissions from 3 submitters: Uncertain significance (3). Last evaluated 2024-01-31.

Conditions:
Familial cancer of breast. Also called: BREAST CANCER, FAMILIAL; hereditary breast carcinoma; Hereditary breast cancer. Identifiers: Orphanet 227535, MedGen C0346153, MONDO:0016419, OMIM 114480. Disease mechanism: loss of function.
Ataxia-telangiectasia syndrome (AT). Also called: AT, COMPLEMENTATION GROUP C; Cerebello-oculocutaneous telangiectasia; Immunodeficiency with ataxia telangiectasia; Ataxia-telangiectasia, complementation group D; ATAXIA-TELANGIECTASIA, FRESNO VARIANT; Ataxia-telangiectasia, complementation group E. Identifiers: Orphanet 100, MedGen C0004135, MONDO:0008840, OMIM 208900.
Hereditary cancer-predisposing syndrome. Also called: Hereditary neoplastic syndrome; Neoplastic Syndromes, Hereditary; Hereditary Cancer Syndrome; Tumor predisposition. Identifiers: Orphanet 140162, MedGen C0027672, MeSH D009386, MONDO:0015356.

Submissions (3):

Labcorp Genetics (formerly Invitae), Labcorp
Classification: Uncertain significance for Ataxia-telangiectasia syndrome. Last evaluated: 2024-01-31. Review status: criteria provided, single submitter. Criteria: Invitae Variant Classification Sherloc (09022015). Collection method: clinical testing. Allele origin: germline.
Comment: This sequence change replaces asparagine, which is neutral and polar, with serine, which is neutral and polar, at codon 1855 of the ATM protein (p.Asn1855Ser). This variant is not present in population databases (gnomAD no frequency). This variant has not been reported in the literature in individuals affected with ATM-related conditions. ClinVar contains an entry for this variant (Variation ID: 574358). An algorithm developed to predict the effect of missense changes on protein structure and function (PolyPhen-2) suggests that this variant is likely to be tolerated. In summary, the available evidence is currently insufficient to determine the role of this variant in disease. Therefore, it has been classified as a Variant of Uncertain Significance.

Ambry Genetics
Classification: Uncertain significance for Hereditary cancer-predisposing syndrome. Last evaluated: 2023-10-15. Review status: criteria provided, single submitter. Criteria: Ambry Variant Classification Scheme 2023. Collection method: clinical testing. Allele origin: germline.
Comment: The p.N1855S variant (also known as c.5564A>G), located in coding exon 36 of the ATM gene, results from an A to G substitution at nucleotide position 5564. The asparagine at codon 1855 is replaced by serine, an amino acid with highly similar properties. This amino acid position is not well conserved in available vertebrate species. In addition, this alteration is predicted to be tolerated by in silico analysis. Since supporting evidence is limited at this time, the clinical significance of this alteration remains unclear.

Baylor Genetics
Classification: Uncertain significance for Familial cancer of breast. Last evaluated: 2023-07-29. Review status: criteria provided, single submitter. Criteria: ACMG Guidelines, 2015. Collection method: clinical testing. Allele origin: unknown.

NM_000051.4(ATM):c.5564A>G (p.Asn1855Ser)

Gene: ATM (ATM serine/threonine kinase; plus strand). Cytogenetic location: 11q22.3.
Variant type: single nucleotide variant.
Coding change: c.5564A>G on transcript NM_000051.4 (MANE Select); coding-DNA position 5564, A replaced by G.
Protein change: p.Asn1855Ser; replaces asparagine 1855 with serine.
Molecular consequence: missense variant.
Genome position (GRCh38, 1-based): chr11:108,304,742, A>G. VCF-style: chr11-108304742-A-G. GRCh37 (hg19) VCF-style: chr11-108175469-A-G.
Other names: c.5564A>G, p.Asn1855Ser (NM_001351834.2); short protein forms N1855S.
Identifiers: ClinVar variation 574358 (VCV000574358.14), dbSNP rs1565481878, ClinGen allele CA382546047.